The following is an entry in ClinVar:

NM_006231.4(POLE):c.2651A>G (p.Lys884Arg)

Gene: POLE (DNA polymerase epsilon, catalytic subunit; minus strand). Cytogenetic location: 12q24.33.
Variant type: single nucleotide variant.
Coding change: c.2651A>G on transcript NM_006231.4 (MANE Select); coding-DNA position 2651, A replaced by G.
Protein change: p.Lys884Arg; replaces lysine 884 with arginine.
Molecular consequence: missense variant.
Genome position (GRCh38, 1-based): chr12:132,664,059, T>C on the plus strand (A>G on the coding strand, the complement: POLE is on the minus strand). VCF-style: chr12-132664059-T-C. GRCh37 (hg19) VCF-style: chr12-133240645-T-C.
Other names: c.2651A>G (NM_006231.2); short protein forms K884R.
Identifiers: ClinVar variation 1064013 (VCV001064013.10), dbSNP rs2042736232, ClinGen allele CA387395417.

ClinVar aggregate classification (germline): Uncertain significance. Review status: criteria provided, multiple submitters, no conflicts (2 of 4 stars). 2 submissions from 2 submitters: Uncertain significance (2). Last evaluated 2024-10-24.

Conditions:
Hereditary cancer-predisposing syndrome. Also called: Hereditary Cancer Syndrome; Hereditary neoplastic syndrome; Neoplastic Syndromes, Hereditary; Tumor predisposition. Identifiers: Orphanet 140162, MedGen C0027672, MeSH D009386, MONDO:0015356.

Allele frequency attached by ClinVar (database versions not stated): TOPMed below 0.00001; gnomAD 0.00001.
gnomAD v4.1: 1 of 1,614,126 alleles (0.000062%); highest among the groups gnomAD compares: African/African-American, 0.0013%; no homozygotes.

Submissions (2):

Ambry Genetics
Classification: Uncertain significance for Hereditary cancer-predisposing syndrome. Last evaluated: 2024-10-24. Review status: criteria provided, single submitter. Criteria: Ambry Variant Classification Scheme 2023. Collection method: clinical testing. Allele origin: germline.
Comment: The p.K884R variant (also known as c.2651A>G), located in coding exon 23 of the POLE gene, results from an A to G substitution at nucleotide position 2651. The lysine at codon 884 is replaced by arginine, an amino acid with highly similar properties. This amino acid position is conserved. In addition, the in silico prediction for this alteration is inconclusive. Based on the available evidence, the clinical significance of this variant remains unclear.

Labcorp Genetics (formerly Invitae), Labcorp
Classification: Uncertain significance. Last evaluated: 2022-02-18. Review status: criteria provided, single submitter. Criteria: Invitae Variant Classification Sherloc (09022015). Collection method: clinical testing. Allele origin: germline.
Comment: In summary, the available evidence is currently insufficient to determine the role of this variant in disease. Therefore, it has been classified as a Variant of Uncertain Significance. Algorithms developed to predict the effect of missense changes on protein structure and function (SIFT, PolyPhen-2, Align-GVGD) all suggest that this variant is likely to be disruptive. ClinVar contains an entry for this variant (Variation ID: 1064013). This variant has not been reported in the literature in individuals affected with POLE-related conditions. This variant is not present in population databases (gnomAD no frequency). This sequence change replaces lysine, which is basic and polar, with arginine, which is basic and polar, at codon 884 of the POLE protein (p.Lys884Arg).